The following is an entry in ClinVar:

ClinVar aggregate classification (germline): Likely benign. Review status: criteria provided, multiple submitters, no conflicts (2 of 4 stars). 2 submissions from 2 submitters: Likely benign (2). Last evaluated 2025-06-24.

Conditions:
NHERF1-related disorder. Also called: NHERF1-related condition.

Allele frequency attached by ClinVar (database versions not stated): gnomAD 0.00014; ESP Exome Variant Server 0.00015; TOPMed 0.00017; ExAC 0.00020; gnomAD exomes 0.00020 and 0.00023.
gnomAD v4.1: 330 of 1,614,174 alleles (0.02%); highest among the groups gnomAD compares: Middle Eastern, 0.13%; no homozygotes.

Submissions (2):

Labcorp Genetics (formerly Invitae), Labcorp
Classification: Likely benign. Last evaluated: 2025-06-24. Review status: criteria provided, single submitter. Criteria: Invitae Variant Classification Sherloc (09022015). Collection method: clinical testing. Allele origin: germline.

PreventionGenetics, part of Exact Sciences
Classification: Likely benign for NHERF1-related condition. Last evaluated: 2025-03-13. Review status: criteria provided, single submitter. Criteria: ACMG Guidelines, 2015. Collection method: clinical testing. Allele origin: germline.
Comment: This variant is classified as likely benign based on ACMG/AMP sequence variant interpretation guidelines (Richards et al. 2015 PMID: 25741868, with internal and published modifications).

NM_004252.5(NHERF1):c.538C>T (p.Arg180Trp)

Gene: NHERF1 (NHERF family PDZ scaffold protein 1; plus strand). Cytogenetic location: 17q25.1.
Variant type: single nucleotide variant.
Coding change: c.538C>T on transcript NM_004252.5 (MANE Select); coding-DNA position 538, C replaced by T.
Protein change: p.Arg180Trp; replaces arginine 180 with tryptophan.
Molecular consequence: missense variant.
Genome position (GRCh38, 1-based): chr17:74,762,108, C>T. VCF-style: chr17-74762108-C-T. GRCh37 (hg19) VCF-style: chr17-72758247-C-T.
Other names: c.538C>T (NM_004252.4); short protein forms R180W.
Identifiers: ClinVar variation 1534567 (VCV001534567.8), dbSNP rs200609318, ClinGen allele CA8750616.